The following is an entry in ClinVar:

ClinVar aggregate classification (germline): Uncertain significance. Review status: criteria provided, multiple submitters, no conflicts (2 of 4 stars). 2 submissions from 2 submitters: Uncertain significance (2). Last evaluated 2024-01-08.

Conditions:
Left ventricular noncompaction 8 (LVNC8). Identifiers: Orphanet 154, Orphanet 54260, MedGen C3809288, MONDO:0014152, OMIM 615373.
Inborn genetic diseases. Identifiers: MedGen C0950123, MeSH D030342.

Allele frequency attached by ClinVar (database versions not stated): gnomAD 0.00001 and 0.00002; gnomAD exomes 0.00001.
gnomAD v4.1: 13 of 1,612,102 alleles (0.00081%); highest among the groups gnomAD compares: East Asian, 0.0089%; no homozygotes.

Submissions (2):

Labcorp Genetics (formerly Invitae), Labcorp
Classification: Uncertain significance for Left ventricular noncompaction 8. Last evaluated: 2024-01-08. Review status: criteria provided, single submitter. Criteria: Invitae Variant Classification Sherloc (09022015). Collection method: clinical testing. Allele origin: germline.
Comment: This sequence change replaces glutamic acid, which is acidic and polar, with lysine, which is basic and polar, at codon 58 of the PRDM16 protein (p.Glu58Lys). This variant is present in population databases (no rsID available, gnomAD 0.01%). This variant has not been reported in the literature in individuals affected with PRDM16-related conditions. ClinVar contains an entry for this variant (Variation ID: 944961). An algorithm developed to predict the effect of missense changes on protein structure and function (PolyPhen-2) suggests that this variant is likely to be disruptive. In summary, the available evidence is currently insufficient to determine the role of this variant in disease. Therefore, it has been classified as a Variant of Uncertain Significance.

Ambry Genetics
Classification: Uncertain significance for Inborn genetic diseases. Last evaluated: 2023-10-10. Review status: criteria provided, single submitter. Criteria: Ambry Variant Classification Scheme 2023. Collection method: clinical testing. Allele origin: germline.

NM_022114.4(PRDM16):c.172G>A (p.Glu58Lys)

Gene: PRDM16 (PR/SET domain 16; plus strand). Cytogenetic location: 1p36.32.
Variant type: single nucleotide variant.
Coding change: c.172G>A on transcript NM_022114.4 (MANE Select); coding-DNA position 172, G replaced by A.
Protein change: p.Glu58Lys; replaces glutamic acid 58 with lysine.
Molecular consequence: missense variant.
Genome position (GRCh38, 1-based): chr1:3,186,259, G>A. VCF-style: chr1-3186259-G-A. GRCh37 (hg19) VCF-style: chr1-3102823-G-A.
Other names: c.172G>A, p.Glu58Lys (NM_199454.3); short protein forms E58K.
Identifiers: ClinVar variation 944961 (VCV000944961.10), dbSNP rs972134115, ClinGen allele CA17293992.
Genomic context (GRCh38, chr1:3,186,259, plus strand): 5'-GCCGAGGACAGTGCCATGTCGCCCATCCCCGTGGGGCCACCGTCCCCCTTCCCCACCAGC[G>A]AGGACTTCACCCCCAAGGAGGGCTCGCCGTACGAGGCCCCTGTCTACATTCCTGAAGACA-3'
Protein context (NP_071397.3, residues 48-68): VGPPSPFPTS[Glu58Lys]DFTPKEGSPY